The following is an entry in ClinVar:

NM_020843.4(SCAPER):c.2511G>A (p.Glu837=)

Gene: SCAPER (S-phase cyclin A associated protein in the ER; minus strand). Cytogenetic location: 15q24.3.
Variant type: single nucleotide variant.
Coding change: c.2511G>A on transcript NM_020843.4 (MANE Select); coding-DNA position 2511, G replaced by A.
Protein change: p.Glu837=; no amino-acid change (glutamic acid 837 retained).
Molecular consequence: synonymous variant. On other transcripts: non-coding transcript variant (1).
Genome position (GRCh38, 1-based): chr15:76,665,787, C>T on the plus strand (G>A on the coding strand, the complement: SCAPER is on the minus strand). VCF-style: chr15-76665787-C-T. GRCh37 (hg19) VCF-style: chr15-76958128-C-T.
Other names: c.1773G>A, p.Glu591= (NM_001145923.2); c.2529G>A, p.Glu843= (NM_001353009.2); c.2109G>A, p.Glu703= (NM_001353010.2, NM_001353012.2); c.2127G>A, p.Glu709= (NM_001353011.2); c.2529G>A (NM_001353009.1).
Identifiers: ClinVar variation 2645585 (VCV002645585.26), dbSNP rs202054995, ClinGen allele CA7674679.

ClinVar aggregate classification (germline): Likely benign. Review status: criteria provided, multiple submitters, no conflicts (2 of 4 stars). 3 submissions from 3 submitters: Likely benign (2). 1 of the submissions does not count toward it. Last evaluated 2026-07-01.

Conditions:
SCAPER-related disorder. Also called: SCAPER-related condition.

Allele frequency attached by ClinVar (database versions not stated): 1000 Genomes Project 30x 0.00016; 1000 Genomes Project 0.00020; ESP Exome Variant Server 0.00027; TOPMed 0.00034; gnomAD exomes 0.00058; gnomAD 0.00072; ExAC 0.00079.
gnomAD v4.1: 880 of 1,508,848 alleles (0.058%); highest among the groups gnomAD compares: Non-Finnish European, 0.053%; 1 homozygote.

Submissions (3):

CeGaT Center for Human Genetics Tuebingen
Classification: Likely benign. Last evaluated: 2026-07-01. Review status: criteria provided, single submitter. Criteria: CeGaT Center For Human Genetics Tuebingen Variant Classification Criteria Version 2. Collection method: clinical testing. Allele origin: germline. Affected: yes. Observed: 7 variant alleles.
Comment: SCAPER: BP4, BP7

Blueprint Genetics
Classification: Likely benign. Last evaluated: 2024-11-25. Review status: criteria provided, single submitter. Criteria: ACMG Guidelines, 2015. Collection method: clinical testing. Allele origin: germline.

PreventionGenetics, part of Exact Sciences
Classification: Likely benign for SCAPER-related condition. Last evaluated: 2022-07-27. Review status: no assertion criteria provided. Collection method: clinical testing. Allele origin: germline. Not counted in ClinVar's aggregate classification.
Comment: This variant is classified as likely benign based on ACMG/AMP sequence variant interpretation guidelines (Richards et al. 2015 PMID: 25741868, with internal and published modifications).